The following is an entry in ClinVar:

ClinVar aggregate classification (germline): Uncertain significance (1 of 4 stars; one submission).

Conditions:
Charcot-Marie-Tooth disease type 2. Also called: Charcot-Marie-Tooth type 2. Identifiers: Orphanet 64746, MedGen C0270914, MONDO:0018993.

Submission:

Labcorp Genetics (formerly Invitae), Labcorp
Classification: Uncertain significance for Charcot-Marie-Tooth disease type 2. Last evaluated: 2021-10-27. Review status: criteria provided, single submitter. Criteria: Invitae Variant Classification Sherloc (09022015). Collection method: clinical testing. Allele origin: germline.
Comment: In summary, the available evidence is currently insufficient to determine the role of this variant in disease. Therefore, it has been classified as a Variant of Uncertain Significance. This variant has not been reported in the literature in individuals affected with LMNA-related conditions. Algorithms developed to predict the effect of missense changes on protein structure and function (SIFT, PolyPhen-2, Align-GVGD) all suggest that this variant is likely to be disruptive. This sequence change replaces proline, a(n) neutral and non-polar amino acid, with histidine, a(n) basic and polar amino acid, at codon 508 of the LMNA protein (p.Pro508His). This variant is not present in population databases (gnomAD no frequency).

NM_170707.4(LMNA):c.1523C>A (p.Pro508His)

Gene: LMNA (lamin A/C; plus strand). Cytogenetic location: 1q22.
Variant type: single nucleotide variant.
Coding change: c.1523C>A on transcript NM_170707.4 (MANE Select); coding-DNA position 1523, C replaced by A.
Protein change: p.Pro508His; replaces proline 508 with histidine.
Molecular consequence: missense variant.
Genome position (GRCh38, 1-based): chr1:156,137,147, C>A. VCF-style: chr1-156137147-C-A. GRCh37 (hg19) VCF-style: chr1-156106938-C-A.
Other names: c.1187C>A, p.Pro396His (NM_001257374.3); c.1280C>A, p.Pro427His (NM_001282624.2); c.1523C>A, p.Pro508His (NM_001282625.2, NM_001282626.2, NM_005572.4 and 1 more transcripts); short protein forms P396H, P427H, P508H.
Identifiers: ClinVar variation 1464183 (VCV001464183.6), dbSNP rs1164522299, ClinGen allele CA342823142.